The following is an entry in ClinVar:

NM_173728.4(ARHGEF15):c.1756A>G (p.Lys586Glu)

Gene: ARHGEF15 (Rho guanine nucleotide exchange factor 15; plus strand). Cytogenetic location: 17p13.1.
Variant type: single nucleotide variant.
Coding change: c.1756A>G on transcript NM_173728.4 (MANE Select); coding-DNA position 1756, A replaced by G.
Protein change: p.Lys586Glu; replaces lysine 586 with glutamic acid.
Molecular consequence: missense variant.
Genome position (GRCh38, 1-based): chr17:8,318,438, A>G. VCF-style: chr17-8318438-A-G. GRCh37 (hg19) VCF-style: chr17-8221756-A-G.
Other names: c.1756A>G, p.Lys586Glu (NM_025014.2); short protein forms K586E.
Identifiers: ClinVar variation 961762 (VCV000961762.10), dbSNP rs1905164850, ClinGen allele CA398022786.

ClinVar aggregate classification (germline): Uncertain significance (1 of 4 stars; one submission).

Conditions:
Early-infantile DEE. Also called: Ohtahara syndrome; Early infantile epileptic encephalopathy with suppression bursts; Early infantile epileptic encephalopathy. Identifiers: Orphanet 1934, MedGen C0393706, MONDO:0800491.

Submission:

Labcorp Genetics (formerly Invitae), Labcorp
Classification: Uncertain significance for Early-infantile DEE. Last evaluated: 2024-10-24. Review status: criteria provided, single submitter. Criteria: Invitae Variant Classification Sherloc (09022015). Collection method: clinical testing. Allele origin: germline.
Comment: This sequence change replaces lysine, which is basic and polar, with glutamic acid, which is acidic and polar, at codon 586 of the ARHGEF15 protein (p.Lys586Glu). This variant is not present in population databases (gnomAD no frequency). This variant has not been reported in the literature in individuals affected with ARHGEF15-related conditions. ClinVar contains an entry for this variant (Variation ID: 961762). An algorithm developed to predict the effect of missense changes on protein structure and function (PolyPhen-2) suggests that this variant is likely to be tolerated. In summary, the available evidence is currently insufficient to determine the role of this variant in disease. Therefore, it has been classified as a Variant of Uncertain Significance.